The following is an entry in ClinVar:

NM_003002.4(SDHD):c.315-1629C>T

Gene: SDHD (succinate dehydrogenase complex subunit D; plus strand). Cytogenetic location: 11q23.1.
Variant type: single nucleotide variant.
Coding change: c.315-1629C>T on transcript NM_003002.4 (MANE Select); 1629 bases into the intron before coding-DNA position 315, C replaced by T.
Molecular consequence: intron variant. On other transcripts: synonymous variant (1).
Genome position (GRCh38, 1-based): chr11:112,093,176, C>T. VCF-style: chr11-112093176-C-T. GRCh37 (hg19) VCF-style: chr11-111963900-C-T.
Other names: c.411C>T, p.Leu137= (NM_001276506.2); c.170-1629C>T (NM_001276503.2); c.198-1629C>T (NM_001276504.2).
Identifiers: ClinVar variation 2642371 (VCV002642371.24), dbSNP rs1013252080, ClinGen allele CA228554466.
Genomic context (GRCh38, chr11:112,093,176, plus strand): 5'-TCTCGGCTCAGCACGATCTCAGCTTACTGCAACCTCCGCCTTTCGGGTTCAAGCGATTCT[C>T]CTGCCTCAGCCTCCCAAGTAGCTGGCATTACAGGCATGTGCCACCACGCCTGGCTAATTT-3'

ClinVar aggregate classification (germline): Likely benign (1 of 4 stars; one submission).

Allele frequency attached by ClinVar (database versions not stated): gnomAD 0.00006.

Submission:

CeGaT Center for Human Genetics Tuebingen
Classification: Likely benign. Last evaluated: 2022-11-01. Review status: criteria provided, single submitter. Criteria: CeGaT Center For Human Genetics Tuebingen Variant Classification Criteria Version 2. Collection method: clinical testing. Allele origin: germline. Affected: yes. Observed: 1 variant allele.
Comment: SDHD: BP4, BP7